The following is an entry in ClinVar:

NM_001136191.3(KANK2):c.1118C>G (p.Pro373Arg)

Gene: KANK2 (KN motif and ankyrin repeat domains 2; minus strand). Cytogenetic location: 19p13.2.
Variant type: single nucleotide variant.
Coding change: c.1118C>G on transcript NM_001136191.3 (MANE Select); coding-DNA position 1118, C replaced by G.
Protein change: p.Pro373Arg; replaces proline 373 with arginine.
Molecular consequence: missense variant.
Genome position (GRCh38, 1-based): chr19:11,192,962, G>C on the plus strand (C>G on the coding strand, the complement: KANK2 is on the minus strand). VCF-style: chr19-11192962-G-C. GRCh37 (hg19) VCF-style: chr19-11303638-G-C.
Other names: c.1118C>G, p.Pro373Arg (NM_001329451.2, NM_001379548.1, NM_001379549.1 and 15 more transcripts); short protein forms P373R.
Identifiers: ClinVar variation 2395942 (VCV002395942.3), dbSNP rs1223547409, ClinGen allele CA404086916.

ClinVar aggregate classification (germline): Uncertain significance. Review status: criteria provided, multiple submitters, no conflicts (2 of 4 stars). 2 submissions from 2 submitters: Uncertain significance (2). Last evaluated 2025-06-12.

Allele frequency attached by ClinVar (database versions not stated): gnomAD exomes below 0.00001; gnomAD 0.00004; TOPMed 0.00004.
gnomAD v4.1: 10 of 1,614,038 alleles (0.00062%); highest among the groups gnomAD compares: African/African-American, 0.012%; no homozygotes.

Submissions (2):

Labcorp Genetics (formerly Invitae), Labcorp
Classification: Uncertain significance. Last evaluated: 2025-06-12. Review status: criteria provided, single submitter. Criteria: Invitae Variant Classification Sherloc (09022015). Collection method: clinical testing. Allele origin: germline.
Comment: This sequence change replaces proline, which is neutral and non-polar, with arginine, which is basic and polar, at codon 373 of the KANK2 protein (p.Pro373Arg). This variant is present in population databases (no rsID available, gnomAD 0.02%). This variant has not been reported in the literature in individuals affected with KANK2-related conditions. ClinVar contains an entry for this variant (Variation ID: 2395942). An algorithm developed to predict the effect of missense changes on protein structure and function (PolyPhen-2) suggests that this variant is likely to be tolerated. In summary, the available evidence is currently insufficient to determine the role of this variant in disease. Therefore, it has been classified as a Variant of Uncertain Significance.

Ambry Genetics
Classification: Uncertain significance. Last evaluated: 2022-11-10. Review status: criteria provided, single submitter. Criteria: Ambry Variant Classification Scheme 2023. Collection method: clinical testing. Allele origin: germline.